The following is an entry in ClinVar:

ClinVar aggregate classification (germline): Pathogenic (1 of 4 stars; one submission).

Conditions:
Capillary malformation-arteriovenous malformation syndrome. Also called: Capillary malformation-arteriovenous malformation. Identifiers: Orphanet 137667, MedGen C1842180, MONDO:0012016.

Submission:

Labcorp Genetics (formerly Invitae), Labcorp
Classification: Pathogenic for Capillary malformation-arteriovenous malformation syndrome. Last evaluated: 2023-07-30. Review status: criteria provided, single submitter. Criteria: Invitae Variant Classification Sherloc (09022015). Collection method: clinical testing. Allele origin: germline.
Comment: This sequence change creates a premature translational stop signal (p.Glu166*) in the RASA1 gene. It is expected to result in an absent or disrupted protein product. Loss-of-function variants in RASA1 are known to be pathogenic (PMID: 24038909). This variant is not present in population databases (gnomAD no frequency). This variant has not been reported in the literature in individuals affected with RASA1-related conditions. For these reasons, this variant has been classified as Pathogenic.

Literature cited by the submitters: PubMed 24038909.

NM_002890.3(RASA1):c.496G>T (p.Glu166Ter)

Gene: RASA1 (RAS p21 protein activator 1; plus strand). Cytogenetic location: 5q14.3.
Variant type: single nucleotide variant.
Coding change: c.496G>T on transcript NM_002890.3 (MANE Select); coding-DNA position 496, G replaced by T.
Protein change: p.Glu166Ter; replaces glutamic acid 166 with a stop codon.
Molecular consequence: nonsense. On other transcripts: 5 prime UTR variant (1).
Genome position (GRCh38, 1-based): chr5:87,268,947, G>T. VCF-style: chr5-87268947-G-T. GRCh37 (hg19) VCF-style: chr5-86564764-G-T.
Other names: c.-101G>T (NM_022650.3); short protein forms E166*.
Identifiers: ClinVar variation 2732232 (VCV002732232.3), dbSNP rs2531003739, ClinGen allele CA360417511.